The following is an entry in ClinVar:

NM_000520.6(HEXA):c.757G>T (p.Val253Leu)

Gene: HEXA (hexosaminidase subunit alpha; minus strand). Cytogenetic location: 15q23.
Variant type: single nucleotide variant.
Coding change: c.757G>T on transcript NM_000520.6 (MANE Select); coding-DNA position 757, G replaced by T.
Protein change: p.Val253Leu; replaces valine 253 with leucine.
Molecular consequence: missense variant. On other transcripts: non-coding transcript variant (1).
Genome position (GRCh38, 1-based): chr15:72,350,566, C>A on the plus strand (G>T on the coding strand, the complement: HEXA is on the minus strand). VCF-style: chr15-72350566-C-A. GRCh37 (hg19) VCF-style: chr15-72642907-C-A.
Other names: c.790G>T, p.Val264Leu (NM_001318825.2); short protein forms V264L, V253L.
Identifiers: ClinVar variation 2168988 (VCV002168988.1), dbSNP rs774868739, ClinGen allele CA7644903.
Genomic context (GRCh38, chr15:72,350,566, plus strand): 5'-CATCATTCTTACCTGGTCCCCAGGACAAAGTGTGGCCAGGAGTGTCAAACTCTGCAAGCA[C>A]ACGGATACCCCGGAGCCGTGCGTATTCAATGACCTCCTTCACATCCTGTGCTGTGTAGAT-3'
Protein context (NP_000511.2, residues 243-263): IEYARLRGIR[Val253Leu]LAEFDTPGHT

ClinVar aggregate classification (germline): Uncertain significance (1 of 4 stars; one submission).

Conditions:
Tay-Sachs disease (TSD). Also called: GM2 gangliosidosis, type 1; Hexosaminidase alpha-subunit deficiency (variant B); Sphingolipidosis, Tay-Sachs; Hexosaminidase A Deficiency; HEXA DEFICIENCY; HEXA Disorders. Identifiers: Orphanet 845, MedGen C0039373, MONDO:0010100, OMIM 272800.

Allele frequency attached by ClinVar (database versions not stated): ExAC 0.00001.
gnomAD v4.1: 5 of 1,614,142 alleles (0.00031%); highest among the groups gnomAD compares: African/African-American, 0.0013%; no homozygotes.

Submission:

Labcorp Genetics (formerly Invitae), Labcorp
Classification: Uncertain significance for Tay-Sachs disease. Last evaluated: 2018-04-12. Review status: criteria provided, single submitter. Criteria: Invitae Variant Classification Sherloc (09022015). Collection method: clinical testing. Allele origin: germline.
Comment: This sequence change replaces valine with leucine at codon 253 of the HEXA protein (p.Val253Leu). The valine residue is highly conserved and there is a small physicochemical difference between valine and leucine. This variant is present in population databases (rs774868739, ExAC 0.001%). This variant has not been reported in the literature in individuals with HEXA-related disease. Algorithms developed to predict the effect of missense changes on protein structure and function (SIFT, PolyPhen-2, Align-GVGD) all suggest that this variant is likely to be disruptive, but these predictions have not been confirmed by published functional studies and their clinical significance is uncertain. In summary, the available evidence is currently insufficient to determine the role of this variant in disease. Therefore, it has been classified as a Variant of Uncertain Significance.